The following is an entry in ClinVar:

ClinVar aggregate classification (germline): Uncertain significance (1 of 4 stars; one submission).

Conditions:
Fumarase deficiency (FMRD). Also called: Fumaric aciduria; Fumarate Hydratase Deficiency. Identifiers: Orphanet 24, MedGen C0342770, MONDO:0011730, OMIM 606812.

Submission:

Labcorp Genetics (formerly Invitae), Labcorp
Classification: Uncertain significance for Fumarase deficiency. Last evaluated: 2018-06-11. Review status: criteria provided, single submitter. Criteria: Invitae Variant Classification Sherloc (09022015). Collection method: clinical testing. Allele origin: germline.
Comment: This sequence change replaces asparagine with isoleucine at codon 373 of the FH protein (p.Asn373Ile). The asparagine residue is highly conserved and there is a large physicochemical difference between asparagine and isoleucine. This variant is not present in population databases (ExAC no frequency). This variant has not been reported in the literature in individuals with FH-related disease. Algorithms developed to predict the effect of missense changes on protein structure and function (SIFT, PolyPhen-2, Align-GVGD) all suggest that this variant is likely to be disruptive, but these predictions have not been confirmed by published functional studies and their clinical significance is uncertain. Another missense substitution at this codon (p.Asn373Ser) has been reported in an individual affected with hereditary leiomyomatosis and renal cell carcinoma (PMID: 17270241). In summary, the available evidence is currently insufficient to determine the role of this variant in disease. Therefore, it has been classified as a Variant of Uncertain Significance.

Literature cited by the submitters: PubMed 17270241.

NM_000143.4(FH):c.1118A>T (p.Asn373Ile)

Gene: FH (fumarate hydratase; minus strand). Cytogenetic location: 1q43.
Variant type: single nucleotide variant.
Coding change: c.1118A>T on transcript NM_000143.4 (MANE Select); coding-DNA position 1118, A replaced by T.
Protein change: p.Asn373Ile; replaces asparagine 373 with isoleucine.
Molecular consequence: missense variant.
Genome position (GRCh38, 1-based): chr1:241,502,561, T>A on the plus strand (A>T on the coding strand, the complement: FH is on the minus strand). VCF-style: chr1-241502561-T-A. GRCh37 (hg19) VCF-style: chr1-241665861-T-A.
Other names: short protein forms N373I.
Identifiers: ClinVar variation 578504 (VCV000578504.1), dbSNP rs1060499643, ClinGen allele CA345437664.